The following is an entry in ClinVar:

NC_000001.10:g.(?_17316166)_(17332293_?)del

Gene: ATP13A2 (ATPase cation transporting 13A2; minus strand). Cytogenetic location: 1p36.13.
Variant type: Deletion.
Identifiers: ClinVar variation 1456750 (VCV001456750.5).

ClinVar aggregate classification (germline): Pathogenic (1 of 4 stars; one submission).

Conditions:
Autosomal recessive spastic paraplegia type 78. Identifiers: Orphanet 513436, MedGen C5567893, MONDO:0014975, OMIM 617225.
Kufor-Rakeb syndrome (KRS). Also called: PARKINSON DISEASE 9, AUTOSOMAL RECESSIVE, JUVENILE-ONSET. Identifiers: Orphanet 306674, Orphanet 314632, MedGen C1847640, MONDO:0011706, OMIM 606693.

Submission:

Labcorp Genetics (formerly Invitae), Labcorp
Classification: Pathogenic for Kufor-Rakeb syndrome; Autosomal recessive spastic paraplegia type 78. Last evaluated: 2021-08-06. Review status: criteria provided, single submitter. Criteria: Invitae Variant Classification Sherloc (09022015). Collection method: clinical testing. Allele origin: germline.
Comment: For these reasons, this variant has been classified as Pathogenic. This variant has not been reported in the literature in individuals affected with ATP13A2-related conditions. This variant is a gross deletion of the genomic region encompassing exon(s) 2-23 of the ATP13A2 gene. This deletion is out-of-frame, and is expected to create a premature termination codon and result in an absent or disrupted protein product. Loss-of-function variants in ATP13A2 are known to be pathogenic (PMID: 16964263, 21696388).

Literature cited by the submitters: PubMed 16964263; PubMed 21696388.